The following is an entry in ClinVar:

ClinVar aggregate classification (germline): Pathogenic (1 of 4 stars; one submission).

Submission:

Labcorp Genetics (formerly Invitae), Labcorp
Classification: Pathogenic. Last evaluated: 2022-05-12. Review status: criteria provided, single submitter. Criteria: Invitae Variant Classification Sherloc (09022015). Collection method: clinical testing. Allele origin: germline.
Comment: For these reasons, this variant has been classified as Pathogenic. This variant has not been reported in the literature in individuals affected with POLE-related conditions. This variant is not present in population databases (gnomAD no frequency). This sequence change creates a premature translational stop signal (p.Pro697Leufs*12) in the POLE gene. It is expected to result in an absent or disrupted protein product. Loss-of-function variants in POLE are known to be pathogenic (PMID: 23230001, 25948378, 30503519).

Literature cited by the submitters: PubMed 23230001; PubMed 25948378; PubMed 30503519.

NM_006231.4(POLE):c.2090_2091del (p.Pro697fs)

Gene: POLE (DNA polymerase epsilon, catalytic subunit; minus strand). Cytogenetic location: 12q24.33.
Variant type: Deletion.
Coding change: c.2090_2091del on transcript NM_006231.4 (MANE Select); coding-DNA positions 2090 to 2091, 2 bases deleted (CC; older notation c.2090_2091delCC).
Protein change: p.Pro697fs; shifts the reading frame from proline 697.
Molecular consequence: frameshift variant.
Genome position (GRCh38, 1-based): chr12:132,668,438-132,668,439, GG deleted on the plus strand (CC on the coding strand, the reverse complement: POLE is on the minus strand); deleting any 2 consecutive bases within chr12:132,668,438-132,668,444 gives the same sequence; the c. name uses the placement nearest the transcript's 3' end. VCF-style (leftmost placement, unchanged base first): chr12-132668437-AGG-A. GRCh37 (hg19) VCF-style: chr12-133245023-AGG-A.
Other names: short protein forms P697fs.
Identifiers: ClinVar variation 1481241 (VCV001481241.8), dbSNP rs752846614, ClinGen allele CA2573148172.